The following is an entry in ClinVar:

NM_001388308.1(KIF12):c.1715C>G (p.Thr572Ser)

Gene: KIF12 (kinesin family member 12; minus strand). Cytogenetic location: 9q32.
Variant type: single nucleotide variant.
Coding change: c.1715C>G on transcript NM_001388308.1 (MANE Select); coding-DNA position 1715, C replaced by G.
Protein change: p.Thr572Ser; replaces threonine 572 with serine.
Molecular consequence: missense variant.
Genome position (GRCh38, 1-based): chr9:114,092,434, G>C on the plus strand (C>G on the coding strand, the complement: KIF12 is on the minus strand). VCF-style: chr9-114092434-G-C. GRCh37 (hg19) VCF-style: chr9-116854714-G-C.
Other names: p.Thr434Ser; c.1301C>G, p.Thr434Ser (NM_138424.2); c.1301C>G (NM_138424.1); short protein forms T434S, T572S.
Identifiers: ClinVar variation 2061783 (VCV002061783.6), dbSNP rs147277754, ClinGen allele CA5200426.

ClinVar aggregate classification (germline): Conflicting classifications of pathogenicity. Review status: criteria provided, conflicting classifications (1 of 4 stars). 3 submissions from 3 submitters: Uncertain significance (1); Benign (1); Likely benign (1). Last evaluated 2025-12-23.

Conditions:
KIF12-related disorder. Also called: KIF12-related condition.

Allele frequency attached by ClinVar (database versions not stated): gnomAD exomes 0.00263; 1000 Genomes Project 0.00120; ExAC 0.00130; TOPMed 0.00130; ESP Exome Variant Server 0.00131; gnomAD 0.00139; 1000 Genomes Project 30x 0.00141.
gnomAD v4.1: 3,963 of 1,613,720 alleles (0.25%); highest among the groups gnomAD compares: Non-Finnish European, 0.33%; 16 homozygotes.

Submissions (3):

PreventionGenetics, part of Exact Sciences
Classification: Likely benign for KIF12-related condition. Last evaluated: 2025-12-23. Review status: criteria provided, single submitter. Criteria: ACMG Guidelines, 2015. Collection method: clinical testing. Allele origin: germline.
Comment: This variant is classified as likely benign based on ACMG/AMP sequence variant interpretation guidelines (Richards et al. 2015 PMID: 25741868, with internal and published modifications).

Labcorp Genetics (formerly Invitae), Labcorp
Classification: Benign. Last evaluated: 2025-12-11. Review status: criteria provided, single submitter. Criteria: Invitae Variant Classification Sherloc (09022015). Collection method: clinical testing. Allele origin: germline.

Mayo Clinic Laboratories, Mayo Clinic
Classification: Uncertain significance. Last evaluated: 2023-02-17. Review status: criteria provided, single submitter. Criteria: ACMG Guidelines, 2015. Collection method: clinical testing. Allele origin: germline. Observed: 1 variant allele.
Comment: BP4